The following is an entry in ClinVar:

NM_000533.5(PLP1):c.347C>G (p.Thr116Arg)

Genes: PLP1 (proteolipid protein 1; plus strand), RAB9B (RAB9B, member RAS oncogene family; minus strand). Cytogenetic location: Xq22.2.
Variant type: single nucleotide variant.
Coding change: c.347C>G on transcript NM_000533.5 (MANE Select); coding-DNA position 347, C replaced by G.
Protein change: p.Thr116Arg; replaces threonine 116 with arginine.
Molecular consequence: missense variant.
Genome position (GRCh38, 1-based): chrX:103,786,620, C>G. VCF-style: chrX-103786620-C-G. GRCh37 (hg19) VCF-style: chrX-103041549-C-G.
Other names: c.347C>G, p.Thr116Arg (NM_001128834.3, NM_199478.3); c.182C>G, p.Thr61Arg (NM_001305004.1); short protein forms T116R, T61R.
Identifiers: ClinVar variation 2442713 (VCV002442713.1), dbSNP rs749278720, ClinGen allele CA414102742.
Genomic context (GRCh38, chrX:103,786,620, plus strand): 5'-CAGTCAGGCAGATCTTTGGCGACTACAAGACCACCATCTGCGGCAAGGGCCTGAGCGCAA[C>G]GGTAACAGGGGGCCAGAAGGGGAGGGGTTCCAGAGGCCAACATCAAGCTCATTCTTTGGA-3'
Protein context (NP_000524.3, residues 106-126): TTICGKGLSA[Thr116Arg]VTGGQKGRGS

ClinVar aggregate classification (germline): Uncertain significance (1 of 4 stars; one submission).

Submission:

GeneDx
Classification: Uncertain significance. Last evaluated: 2022-09-01. Review status: criteria provided, single submitter. Criteria: GeneDx Variant Classification Process June 2021. Collection method: clinical testing. Allele origin: germline. Affected: yes.
Comment: Not observed at significant frequency in large population cohorts (gnomAD); Missense variants in this gene are often considered pathogenic (HGMD); In silico analysis supports that this missense variant has a deleterious effect on protein structure/function; Has not been previously published as pathogenic or benign to our knowledge